The following is an entry in ClinVar:

NM_025144.4(ALPK1):c.1924C>T (p.His642Tyr)

Gene: ALPK1 (alpha kinase 1; plus strand). Cytogenetic location: 4q25.
Variant type: single nucleotide variant.
Coding change: c.1924C>T on transcript NM_025144.4 (MANE Select); coding-DNA position 1924, C replaced by T.
Protein change: p.His642Tyr; replaces histidine 642 with tyrosine.
Molecular consequence: missense variant.
Genome position (GRCh38, 1-based): chr4:112,431,471, C>T. VCF-style: chr4-112431471-C-T. GRCh37 (hg19) VCF-style: chr4-113352627-C-T.
Other names: c.1924C>T, p.His642Tyr (NM_001102406.2); c.1690C>T, p.His564Tyr (NM_001253884.2); short protein forms H642Y, H564Y.
Identifiers: ClinVar variation 4692061 (VCV004692061.1).

ClinVar aggregate classification (germline): Uncertain significance (1 of 4 stars; one submission).

gnomAD v4.1: 27 of 1,614,214 alleles (0.0017%); highest among the groups gnomAD compares: South Asian, 0.013%; no homozygotes.

Submission:

Labcorp Genetics (formerly Invitae), Labcorp
Classification: Uncertain significance. Last evaluated: 2025-07-22. Review status: criteria provided, single submitter. Criteria: Invitae Variant Classification Sherloc (09022015). Collection method: clinical testing. Allele origin: germline.
Comment: This sequence change replaces histidine, which is basic and polar, with tyrosine, which is neutral and polar, at codon 642 of the ALPK1 protein (p.His642Tyr). This variant is present in population databases (rs532078134, gnomAD 0.02%). This variant has not been reported in the literature in individuals affected with ALPK1-related conditions. Invitae Evidence Modeling of protein sequence and biophysical properties (such as structural, functional, and spatial information, amino acid conservation, physicochemical variation, residue mobility, and thermodynamic stability) indicates that this missense variant is not expected to disrupt ALPK1 protein function with a negative predictive value of 80%. In summary, the available evidence is currently insufficient to determine the role of this variant in disease. Therefore, it has been classified as a Variant of Uncertain Significance.